The following is an entry in ClinVar:

NM_177438.3(DICER1):c.3597_3600delinsC (p.Asn1200del)

Gene: DICER1 (dicer 1, ribonuclease III; minus strand). Cytogenetic location: 14q32.13.
Variant type: Indel.
Coding change: c.3597_3600delinsC on transcript NM_177438.3 (MANE Select); coding-DNA positions 3597 to 3600, AAAT replaced by C.
Protein change: p.Asn1200del; deletes asparagine 1200.
Molecular consequence: inframe deletion. On other transcripts: non-coding transcript variant (6).
Genome position (GRCh38, 1-based): chr14:95,103,796-95,103,799, ATTT replaced by G on the plus strand (AAAT replaced by C on the coding strand, the reverse complement: DICER1 is on the minus strand). VCF-style: chr14-95103796-ATTT-G. GRCh37 (hg19) VCF-style: chr14-95570133-ATTT-G.
Other names: c.3597_3600delinsC, p.Asn1200del (NM_001195573.1, NM_001271282.3, NM_001291628.2 and 12 more transcripts); c.3192_3195delinsC, p.Asn1065del (NM_001395696.1, NM_001395687.1, NM_001395688.1 and 2 more transcripts); c.1914_1917delinsC, p.Asn639del (NM_001395697.1); c.3315_3318delinsC, p.Asn1106del (NM_001395686.1); c.3030_3033delinsC, p.Asn1011del (NM_001395691.1); short protein forms N1011del, N1065del, N1106del, N1200del, N639del.
Identifiers: ClinVar variation 5018909 (VCV005018909.2).
Genomic context (GRCh38, chr14:95,103,796, plus strand): 5'-CTGAATGGAATATGAGGTAGTTGGTTGCACGGGTATTTCCTGCTTGTAGTAATTTAGCTG[ATTT>G]CCTTGGCAAAAGTCTCTGTTAGCTAAATCATAACTGCCATTGGCGAGATTTTGATTGTAA-3'

ClinVar aggregate classification (germline): Uncertain significance (1 of 4 stars; one submission).

Conditions:
Pleuropulmonary blastoma (PPB). Identifiers: Orphanet 64742, MedGen C1266144, MONDO:0011014, OMIM 601200, HP:0100528.
Global developmental delay - lung cysts - overgrowth - Wilms tumor syndrome. Also called: GLOBAL DEVELOPMENTAL DELAY, LUNG CYSTS, OVERGROWTH, AND WILMS TUMOR; GLOW Syndrome. Identifiers: Orphanet 404476, MedGen C4748924, MONDO:0018445, OMIM 618272.
Euthyroid goiter (MNG1). Also called: GOITER, NONTOXIC, WITH INTRATHYROIDAL CALCIFICATION; MULTINODULAR GOITER, ADOLESCENT; Goiter, multinodular 1, with or without Sertoli-Leydig cell tumors; SIMPLE GOITER. Identifiers: Orphanet 276399, MedGen C0302859, MONDO:0007681, OMIM 138800, HP:0009798.
Rhabdomyosarcoma, embryonal, 2 (RMSE2). Identifiers: MedGen C1867234, MONDO:0859046, OMIM 180295.

Submission:

Juno Genomics, Hangzhou Juno Genomics, Inc
Classification: Uncertain significance for Global developmental delay - lung cysts - overgrowth - Wilms tumor syndrome; Euthyroid goiter; Pleuropulmonary blastoma; Rhabdomyosarcoma, embryonal, 2. Review status: criteria provided, single submitter. Criteria: ACMG Guidelines, 2015. Collection method: clinical testing. Allele origin: germline.
Comment: Absent from controls (or at extremely low frequency if recessive) in Genome Aggregation Database.;Protein length changes due to in-frame deletions/insertions in a non-repeat region or stop-loss variants.